The following is an entry in ClinVar:

ClinVar aggregate classification (germline): Likely pathogenic (1 of 4 stars; one submission).

Conditions:
TBC1D32-related disorder. Also called: TBC1D32-related condition.

Submission:

PreventionGenetics, part of Exact Sciences
Classification: Likely pathogenic for TBC1D32-related condition. Last evaluated: 2024-11-06. Review status: criteria provided, single submitter. Criteria: ACMG Guidelines, 2015. Collection method: clinical testing. Allele origin: germline.
Comment: The TBC1D32 c.2157+2T>C variant is predicted to disrupt the GT donor site and interfere with normal splicing. To our knowledge, this variant has not been reported in the literature or in a large population database (gnomAD), indicating this variant is rare. Variants that disrupt the consensus splice donor site in TBC1D32 are expected to be pathogenic for autosomal recessive disorder. This variant is interpreted as likely pathogenic.

NM_152730.6(TBC1D32):c.2157+2T>C

Gene: TBC1D32 (TBC1 domain family member 32; minus strand). Cytogenetic location: 6q22.31.
Variant type: single nucleotide variant.
Coding change: c.2157+2T>C on transcript NM_152730.6 (MANE Select); the canonical splice donor site of the intron after coding-DNA position 2157, T replaced by C.
Molecular consequence: splice donor variant.
Genome position (GRCh38, 1-based): chr6:121,242,199, A>G on the plus strand (T>C on the coding strand, the complement: TBC1D32 is on the minus strand). VCF-style: chr6-121242199-A-G. GRCh37 (hg19) VCF-style: chr6-121563345-A-G.
Other names: c.2157+2T>C (NM_001367759.1, NM_001367760.1).
Identifiers: ClinVar variation 5001219 (VCV005001219.1).